The following is an entry in ClinVar:

NM_170606.3(KMT2C):c.10022C>T (p.Pro3341Leu)

Gene: KMT2C (lysine methyltransferase 2C; minus strand). Cytogenetic location: 7q36.1.
Variant type: single nucleotide variant.
Coding change: c.10022C>T on transcript NM_170606.3 (MANE Select); coding-DNA position 10022, C replaced by T.
Protein change: p.Pro3341Leu; replaces proline 3341 with leucine.
Molecular consequence: missense variant.
Genome position (GRCh38, 1-based): chr7:152,163,555, G>A on the plus strand (C>T on the coding strand, the complement: KMT2C is on the minus strand). VCF-style: chr7-152163555-G-A. GRCh37 (hg19) VCF-style: chr7-151860640-G-A.
Other names: short protein forms P3341L.
Identifiers: ClinVar variation 3373657 (VCV003373657.1).

ClinVar aggregate classification (germline): Uncertain significance (1 of 4 stars; one submission).

Submission:

GeneDx
Classification: Uncertain significance. Last evaluated: 2024-03-04. Review status: criteria provided, single submitter. Criteria: GeneDx Variant Classification Process June 2021. Collection method: clinical testing. Allele origin: germline. Affected: yes.
Comment: Not observed at significant frequency in large population cohorts (gnomAD); In silico analysis supports that this missense variant has a deleterious effect on protein structure/function; Has not been previously published as pathogenic or benign to our knowledge